The following is an entry in ClinVar:

ClinVar aggregate classification (germline): Uncertain significance. Review status: criteria provided, multiple submitters, no conflicts (2 of 4 stars). 4 submissions from 4 submitters: Uncertain significance (4). Last evaluated 2024-06-30.

Conditions:
Spermatogenic failure 72 (SPGF72). Identifiers: MedGen C5676980, MONDO:0030809, OMIM 619867.
Asphyxiating thoracic dystrophy 5 (SRTD5). Also called: SHORT-RIB THORACIC DYSPLASIA 5 WITH OR WITHOUT POLYDACTYLY; SHORT-RIB THORACIC DYSPLASIA 5 WITHOUT POLYDACTYLY. Identifiers: Orphanet 474, MedGen C3280598, MONDO:0013717, OMIM 614376.
Nephronophthisis 13 (NPHP13). Identifiers: Orphanet 655, MedGen C3280612, MONDO:0013718, OMIM 614377.
Cranioectodermal dysplasia 4 (CED4). Identifiers: Orphanet 1515, MedGen C3280616, MONDO:0013719, OMIM 614378.
Senior-Loken syndrome 8 (SLSN8). Identifiers: Orphanet 3156, MedGen C4225376, MONDO:0014579, OMIM 616307.
Inborn genetic diseases. Identifiers: MedGen C0950123, MeSH D030342.

gnomAD v4.1: 4 of 1,577,186 alleles (0.00025%); highest among the groups gnomAD compares: Middle Eastern, 0.017%; no homozygotes.

Submissions (4):

Labcorp Genetics (formerly Invitae), Labcorp
Classification: Uncertain significance for Senior-Loken syndrome 8; Asphyxiating thoracic dystrophy 5. Last evaluated: 2024-06-30. Review status: criteria provided, single submitter. Criteria: Invitae Variant Classification Sherloc (09022015). Collection method: clinical testing. Allele origin: germline.
Comment: This sequence change replaces isoleucine, which is neutral and non-polar, with leucine, which is neutral and non-polar, at codon 774 of the WDR19 protein (p.Ile774Leu). The frequency data for this variant in the population databases is considered unreliable, as metrics indicate poor data quality at this position in the gnomAD database. This variant has not been reported in the literature in individuals affected with WDR19-related conditions. ClinVar contains an entry for this variant (Variation ID: 962787). Advanced modeling of protein sequence and biophysical properties (such as structural, functional, and spatial information, amino acid conservation, physicochemical variation, residue mobility, and thermodynamic stability) performed at Invitae indicates that this missense variant is not expected to disrupt WDR19 protein function with a negative predictive value of 80%. In summary, the available evidence is currently insufficient to determine the role of this variant in disease. Therefore, it has been classified as a Variant of Uncertain Significance.

Fulgent Genetics
Classification: Uncertain significance for Asphyxiating thoracic dystrophy 5; Nephronophthisis 13; Cranioectodermal dysplasia 4; Senior-Loken syndrome 8; Spermatogenic failure 72. Last evaluated: 2024-03-20. Review status: criteria provided, single submitter. Criteria: ACMG Guidelines, 2015. Collection method: clinical testing. Allele origin: germline.

Ambry Genetics
Classification: Uncertain significance for Inborn genetic diseases. Last evaluated: 2021-08-12. Review status: criteria provided, single submitter. Criteria: Ambry Variant Classification Scheme 2023. Collection method: clinical testing. Allele origin: germline.

Blueprint Genetics
Classification: Uncertain significance. Last evaluated: 2020-09-24. Review status: criteria provided, single submitter. Criteria: ACMG Guidelines, 2015. Collection method: clinical testing. Allele origin: germline.

NM_025132.4(WDR19):c.2320A>T (p.Ile774Leu)

Gene: WDR19 (WD repeat domain 19; plus strand). Cytogenetic location: 4p14.
Variant type: single nucleotide variant.
Coding change: c.2320A>T on transcript NM_025132.4 (MANE Select); coding-DNA position 2320, A replaced by T.
Protein change: p.Ile774Leu; replaces isoleucine 774 with leucine.
Molecular consequence: missense variant.
Genome position (GRCh38, 1-based): chr4:39,234,832, A>T. VCF-style: chr4-39234832-A-T. GRCh37 (hg19) VCF-style: chr4-39236452-A-T.
Other names: c.1840A>T, p.Ile614Leu (NM_001317924.2); short protein forms I614L, I774L.
Identifiers: ClinVar variation 962787 (VCV000962787.13), dbSNP rs762043395, ClinGen allele CA356635503.